The following is an entry in ClinVar:

ClinVar aggregate classification (germline): Likely pathogenic (1 of 4 stars; one submission).

Conditions:
Gaucher disease. Also called: Acute cerebral Gaucher disease; Cerebroside lipidosis syndrome; Gaucher splenomegaly; Sphingolipidosis 1; Glucocerebrosidosis; Glucosylceramidase deficiency. Identifiers: Orphanet 355, MedGen C0017205, MONDO:0018150.

Submission:

Natera, Inc.
Classification: Likely pathogenic for Gaucher disease. Last evaluated: 2025-12-02. Review status: criteria provided, single submitter. Criteria: Natera Variant Classification Schema (03/2026). Collection method: clinical testing. Allele origin: germline.
Comment: The c.793C>T variant in GBA1 is a nonsense variant predicted to introduce a stop codon at amino acid 265. This variant is expected to result in nonsense mediated decay, truncation, or a dysfunctional protein product. This variant is rare in the general population with a frequency below the threshold expected for the associated phenotype(s). Given the available evidence, this variant is classified as Likely Pathogenic.

NM_000157.4(GBA1):c.793C>T (p.Gln265Ter)

Genes: GBA1 (glucosylceramidase beta 1; minus strand), LOC106627981 (GBA recombination region; plus strand). Cytogenetic location: 1q22.
Variant type: single nucleotide variant.
Coding change: c.793C>T on transcript NM_000157.4 (MANE Select); coding-DNA position 793, C replaced by T.
Protein change: p.Gln265Ter; replaces glutamine 265 with a stop codon.
Molecular consequence: nonsense.
Genome position (GRCh38, 1-based): chr1:155,237,547, G>A on the plus strand (C>T on the coding strand, the complement: GBA1 is on the minus strand). VCF-style: chr1-155237547-G-A. GRCh37 (hg19) VCF-style: chr1-155207338-G-A.
Other names: c.793C>T, p.Gln265Ter (NM_001005741.3, NM_001005742.3); c.532C>T, p.Gln178Ter (NM_001171811.2); c.646C>T, p.Gln216Ter (NM_001171812.2); short protein forms Q178*, Q216*, Q265*.
Identifiers: ClinVar variation 4817811 (VCV004817811.1).